The following is an entry in ClinVar:

ClinVar aggregate classification (germline): Likely pathogenic. Review status: criteria provided, multiple submitters, no conflicts (2 of 4 stars). 4 submissions from 4 submitters: Likely pathogenic (2). 2 of the submissions do not count toward it. Last evaluated 2025-07-29.

Conditions:
Metaphyseal chondrodysplasia, McKusick type (CHH). Also called: Cartilage-hair hypoplasia; Cartilage-Hair Hypoplasia (CHH). Identifiers: Orphanet 175, MedGen C0220748, MONDO:0009595, OMIM 250250.
Metaphyseal dysplasia without hypotrichosis. Also called: Metaphyseal Dysplasia without Hypotrichosis (MDWH); CARTILAGE-HAIR HYPOPLASIA VARIANT, SKELETAL MANIFESTATIONS ONLY; CARTILAGE-HAIR HYPOPLASIA-LIKE SKELETAL DYSPLASIA WITHOUT HYPOTRICHOSIS OR IMMUNODEFICIENCY. Identifiers: MedGen C1834821, MONDO:0009601, OMIM 250460.
RMRP-related disorder. Also called: RMRP-related condition.

gnomAD v4.1: 7 of 692,950 alleles (0.001%); highest among the groups gnomAD compares: Non-Finnish European, 0.0018%; no homozygotes.

Submissions (4):

Women's Health and Genetics/Laboratory Corporation of America, LabCorp
Classification: Likely pathogenic for Metaphyseal chondrodysplasia, McKusick type. Last evaluated: 2025-07-29. Review status: criteria provided, single submitter. Criteria: LabCorp Variant Classification Summary - May 2015. Collection method: clinical testing. Allele origin: germline.
Comment: Variant summary: RMRP n.155G>T (also known as NC_000009.11: chr9:g.35657861C>A) alters a conserved nucleotide in the non-coding RNA. The variant allele was found at a frequency of 7.7e-06 in 130488 control chromosomes (gnomAD). The variant n.155G>T (also known as n.154G>T) has been reported in the literature in multiple compound heterozygous individuals affected with clinical features of RMRP-related disorders (e.g. Ridanpaa_2002, Vakkilainen_2020) and in patients without reported phenotype details (Stranneheim_2021). In addition, a different variant affecting the same nucleotide (n.155G>C) has been also described in patient(s) affected with Cartilage-Hair hypoplasia (e.g. PMID 25663137), further supporting a structural importance for this nucleotide. These data indicate that the variant is likely to be associated with disease. To our knowledge, no experimental evidence demonstrating an impact on protein function has been reported. The following publications have been ascertained in the context of this evaluation (PMID: 12107819, 31413121, 33726816). ClinVar contains an entry for this variant (Variation ID: 550880). Based on the evidence outlined above, the variant was classified as likely pathogenic.

Blueprint Genetics
Classification: Likely pathogenic for RMRP-related disorders. Last evaluated: 2022-06-03. Review status: criteria provided, single submitter. Criteria: ACMG Guidelines, 2015. Collection method: clinical testing. Allele origin: germline. Affected: yes. Observed: 2 variant alleles.

OMIM
Classification: Pathogenic for METAPHYSEAL DYSPLASIA WITHOUT HYPOTRICHOSIS. Last evaluated: 2022-09-21. Review status: no assertion criteria provided. Collection method: literature only. Allele origin: germline. Not counted in ClinVar's aggregate classification.

Counsyl
Classification: Uncertain significance for Metaphyseal chondrodysplasia, McKusick type. Last evaluated: 2017-10-09. Review status: no assertion criteria provided. Collection method: clinical testing. Allele origin: unknown. Not counted in ClinVar's aggregate classification.

Literature cited by the submitters: PubMed 12107819 (cited by Women's Health and Genetics/Laboratory Corporation of America, LabCorp and Counsyl); PubMed 33726816 (cited by Women's Health and Genetics/Laboratory Corporation of America, LabCorp); PubMed 31413121 (cited by Women's Health and Genetics/Laboratory Corporation of America, LabCorp and OMIM).

NR_003051.4(RMRP):n.156G>T

Gene: RMRP (RNA component of mitochondrial RNA processing endoribonuclease; minus strand). Cytogenetic location: 9p13.3.
Variant type: single nucleotide variant.
Genome position: GRCh38 VCF-style: chr9-35657864-C-A. GRCh37 (hg19) VCF-style: chr9-35657861-C-A.
Other names: 155G-T.
Identifiers: ClinVar variation 550880 (VCV000550880.5), dbSNP rs752709977, ClinGen allele CA192745598.